The following is an entry in ClinVar:

ClinVar aggregate classification (germline): Uncertain significance. Review status: criteria provided, multiple submitters, no conflicts (2 of 4 stars). 2 submissions from 2 submitters: Uncertain significance (2). Last evaluated 2025-10-23.

Allele frequency attached by ClinVar (database versions not stated): TOPMed 0.00006; ESP Exome Variant Server 0.00008.

Submissions (2):

Labcorp Genetics (formerly Invitae), Labcorp
Classification: Uncertain significance. Last evaluated: 2025-10-23. Review status: criteria provided, single submitter. Criteria: Invitae Variant Classification Sherloc (09022015). Collection method: clinical testing. Allele origin: germline.
Comment: This sequence change replaces serine, which is neutral and polar, with phenylalanine, which is neutral and non-polar, at codon 472 of the ANKZF1 protein (p.Ser472Phe). This variant is present in population databases (rs200249107, gnomAD 0.05%). This variant has not been reported in the literature in individuals affected with ANKZF1-related conditions. ClinVar contains an entry for this variant (Variation ID: 1358929). An algorithm developed to predict the effect of missense changes on protein structure and function (PolyPhen-2) suggests that this variant is likely to be tolerated. In summary, the available evidence is currently insufficient to determine the role of this variant in disease. Therefore, it has been classified as a Variant of Uncertain Significance.

Ambry Genetics
Classification: Uncertain significance. Last evaluated: 2024-05-28. Review status: criteria provided, single submitter. Criteria: Ambry Variant Classification Scheme 2023. Collection method: clinical testing. Allele origin: germline.

NM_018089.3(ANKZF1):c.1415C>T (p.Ser472Phe)

Gene: ANKZF1 (ankyrin repeat and zinc finger peptidyl tRNA hydrolase 1; plus strand). Cytogenetic location: 2q35.
Variant type: single nucleotide variant.
Coding change: c.1415C>T on transcript NM_018089.3 (MANE Select); coding-DNA position 1415, C replaced by T.
Protein change: p.Ser472Phe; replaces serine 472 with phenylalanine.
Molecular consequence: missense variant.
Genome position (GRCh38, 1-based): chr2:219,235,036, C>T. VCF-style: chr2-219235036-C-T. GRCh37 (hg19) VCF-style: chr2-220099758-C-T.
Other names: c.1415C>T, p.Ser472Phe (NM_001042410.2); c.785C>T, p.Ser262Phe (NM_001282792.2); c.1415C>T (NM_018089.2); short protein forms S472F, S262F.
Identifiers: ClinVar variation 1358929 (VCV001358929.7), dbSNP rs200249107, ClinGen allele CA2121056.
Genomic context (GRCh38, chr2:219,235,036, plus strand): 5'-CTGGGGCACATCGGACTCTTCTCCAGCAAACTCAAGAAGAGGAGCCTTCCACACAGTCAT[C>T]CCAGGCAGTTGCTGCCCCCTTGGGCCCTTTGCTGGATGAGGCCAAAGCCCCTGGTCAGCC-3'
Protein context (NP_060559.2, residues 462-482): TQEEEPSTQS[Ser472Phe]QAVAAPLGPL